The following is an entry in ClinVar:

ClinVar aggregate classification (germline): Uncertain significance (1 of 4 stars; one submission).

Conditions:
Loeys-Dietz syndrome 4 (LDS4). Also called: ANEURYSM, AORTIC AND CEREBRAL, WITH ARTERIAL TORTUOSITY AND SKELETAL MANIFESTATIONS; TGFB2-Related Loeys-Dietz Syndrome. Identifiers: MedGen C3553762, MONDO:0013897, OMIM 614816.

Allele frequency attached by ClinVar (database versions not stated): gnomAD exomes below 0.00001.
gnomAD v4.1: 1 of 1,614,160 alleles (0.000062%); highest among the groups gnomAD compares: Non-Finnish European, 0.000085%; no homozygotes.

Submission:

Labcorp Genetics (formerly Invitae), Labcorp
Classification: Uncertain significance for Loeys-Dietz syndrome 4. Last evaluated: 2025-12-28. Review status: criteria provided, single submitter. Criteria: Invitae Variant Classification Sherloc (09022015). Collection method: clinical testing. Allele origin: germline.
Comment: This sequence change replaces methionine, which is neutral and non-polar, with isoleucine, which is neutral and non-polar, at codon 284 of the TGFB2 protein (p.Met284Ile). This variant is not present in population databases (gnomAD no frequency). This variant has not been reported in the literature in individuals affected with TGFB2-related conditions. ClinVar contains an entry for this variant (Variation ID: 2849282). An algorithm developed to predict the effect of missense changes on protein structure and function (PolyPhen-2) suggests that this variant is likely to be disruptive. In summary, the available evidence is currently insufficient to determine the role of this variant in disease. Therefore, it has been classified as a Variant of Uncertain Significance.

NM_003238.6(TGFB2):c.852G>C (p.Met284Ile)

Gene: TGFB2 (transforming growth factor beta 2; plus strand). Cytogenetic location: 1q41.
Variant type: single nucleotide variant.
Coding change: c.852G>C on transcript NM_003238.6 (MANE Select); coding-DNA position 852, G replaced by C.
Protein change: p.Met284Ile; replaces methionine 284 with isoleucine.
Molecular consequence: missense variant.
Genome position (GRCh38, 1-based): chr1:218,436,067, G>C. VCF-style: chr1-218436067-G-C. GRCh37 (hg19) VCF-style: chr1-218609409-G-C.
Other names: c.936G>C, p.Met312Ile (NM_001135599.4); short protein forms M284I, M312I.
Identifiers: ClinVar variation 2849282 (VCV002849282.3), dbSNP rs771319501, ClinGen allele CA37620954.